The following is an entry in ClinVar:

ClinVar aggregate classification (germline): Likely benign (0 of 4 stars; one submission).

Conditions:
KDM2B-related disorder. Also called: KDM2B-related condition.

gnomAD v4.1: 18 of 1,613,486 alleles (0.0011%); highest among the groups gnomAD compares: Non-Finnish European, 0.0014%; no homozygotes.

Submission:

PreventionGenetics, part of Exact Sciences
Classification: Likely benign for KDM2B-related condition. Last evaluated: 2019-08-09. Review status: no assertion criteria provided. Collection method: clinical testing. Allele origin: germline.
Comment: This variant is classified as likely benign based on ACMG/AMP sequence variant interpretation guidelines (Richards et al. 2015 PMID: 25741868, with internal and published modifications).

NM_032590.5(KDM2B):c.3449-4C>G

Gene: KDM2B (lysine demethylase 2B; minus strand). Cytogenetic location: 12q24.31.
Variant type: single nucleotide variant.
Coding change: c.3449-4C>G on transcript NM_032590.5 (MANE Select); 4 bases into the intron before coding-DNA position 3449, C replaced by G.
Molecular consequence: intron variant.
Genome position (GRCh38, 1-based): chr12:121,440,981, G>C on the plus strand (C>G on the coding strand, the complement: KDM2B is on the minus strand). VCF-style: chr12-121440981-G-C. GRCh37 (hg19) VCF-style: chr12-121878784-G-C.
Other names: c.3242-4C>G (NM_001005366.2).
Identifiers: ClinVar variation 3035247 (VCV003035247.2), dbSNP rs781971952, ClinGen allele CA6836213.